The following is an entry in ClinVar:

ClinVar aggregate classification (germline): Uncertain significance. Review status: criteria provided, multiple submitters, no conflicts (2 of 4 stars). 2 submissions from 2 submitters: Uncertain significance (2). Last evaluated 2024-09-03.

Conditions:
Inborn genetic diseases. Identifiers: MedGen C0950123, MeSH D030342.

Allele frequency attached by ClinVar (database versions not stated): 1000 Genomes Project 0.00040; 1000 Genomes Project 30x 0.00047.
gnomAD v4.1: 15 of 1,614,160 alleles (0.00093%); highest among the groups gnomAD compares: Admixed American, 0.0067%; no homozygotes.

Submissions (2):

Labcorp Genetics (formerly Invitae), Labcorp
Classification: Uncertain significance. Last evaluated: 2024-09-03. Review status: criteria provided, single submitter. Criteria: Invitae Variant Classification Sherloc (09022015). Collection method: clinical testing. Allele origin: germline.
Comment: This sequence change replaces arginine, which is basic and polar, with tryptophan, which is neutral and slightly polar, at codon 122 of the CSF2RB protein (p.Arg122Trp). This variant is present in population databases (rs202034054, gnomAD 0.007%). This variant has not been reported in the literature in individuals affected with CSF2RB-related conditions. ClinVar contains an entry for this variant (Variation ID: 1523094). Invitae Evidence Modeling of protein sequence and biophysical properties (such as structural, functional, and spatial information, amino acid conservation, physicochemical variation, residue mobility, and thermodynamic stability) indicates that this missense variant is not expected to disrupt CSF2RB protein function with a negative predictive value of 80%. In summary, the available evidence is currently insufficient to determine the role of this variant in disease. Therefore, it has been classified as a Variant of Uncertain Significance.

Ambry Genetics
Classification: Uncertain significance for Inborn genetic diseases. Last evaluated: 2023-09-26. Review status: criteria provided, single submitter. Criteria: Ambry Variant Classification Scheme 2023. Collection method: clinical testing. Allele origin: germline.

NM_000395.3(CSF2RB):c.364C>T (p.Arg122Trp)

Genes: CSF2RB (colony stimulating factor 2 receptor subunit beta; plus strand), LOC126863140 (BRD4-independent group 4 enhancer GRCh37_chr22:37321546-37322745; plus strand). Cytogenetic location: 22q12.3.
Variant type: single nucleotide variant.
Coding change: c.364C>T on transcript NM_000395.3 (MANE Select); coding-DNA position 364, C replaced by T.
Protein change: p.Arg122Trp; replaces arginine 122 with tryptophan.
Molecular consequence: missense variant.
Genome position (GRCh38, 1-based): chr22:36,926,150, C>T. VCF-style: chr22-36926150-C-T. GRCh37 (hg19) VCF-style: chr22-37322192-C-T.
Other names: c.364C>T (NM_000395.2); short protein forms R122W.
Identifiers: ClinVar variation 1523094 (VCV001523094.9), dbSNP rs202034054, ClinGen allele CA10213440.